The following is an entry in ClinVar:

ClinVar aggregate classification (germline): Uncertain significance. Review status: criteria provided, multiple submitters, no conflicts (2 of 4 stars). 2 submissions from 2 submitters: Uncertain significance (2). Last evaluated 2024-11-16.

Conditions:
Retinitis pigmentosa (RP). Identifiers: Orphanet 791, MedGen C0035334, MeSH D012174, MONDO:0019200, OMIM 268000. Inheritance: Autosomal dominant, autosomal recessive and X linked inheritance.

Allele frequency attached by ClinVar (database versions not stated): ExAC 0.00001; gnomAD 0.00001; gnomAD exomes 0.00001; TOPMed 0.00002.
gnomAD v4.1: 14 of 1,613,928 alleles (0.00087%); highest among the groups gnomAD compares: Admixed American, 0.0033%; no homozygotes.

Submissions (2):

Labcorp Genetics (formerly Invitae), Labcorp
Classification: Uncertain significance. Last evaluated: 2024-11-16. Review status: criteria provided, single submitter. Criteria: Invitae Variant Classification Sherloc (09022015). Collection method: clinical testing. Allele origin: germline.
Comment: This sequence change replaces arginine, which is basic and polar, with tryptophan, which is neutral and slightly polar, at codon 703 of the PRPF6 protein (p.Arg703Trp). This variant is present in population databases (rs754149863, gnomAD 0.007%). This variant has not been reported in the literature in individuals affected with PRPF6-related conditions. ClinVar contains an entry for this variant (Variation ID: 898398). Invitae Evidence Modeling of protein sequence and biophysical properties (such as structural, functional, and spatial information, amino acid conservation, physicochemical variation, residue mobility, and thermodynamic stability) indicates that this missense variant is not expected to disrupt PRPF6 protein function with a negative predictive value of 80%. In summary, the available evidence is currently insufficient to determine the role of this variant in disease. Therefore, it has been classified as a Variant of Uncertain Significance.

Illumina Laboratory Services, Illumina
Classification: Uncertain significance for Retinitis pigmentosa. Last evaluated: 2018-01-13. Review status: criteria provided, single submitter. Criteria: ICSL Variant Classification Criteria 13 December 2019. Collection method: clinical testing. Allele origin: germline.

NM_012469.4(PRPF6):c.2107C>T (p.Arg703Trp)

Gene: PRPF6 (pre-mRNA processing factor 6; plus strand). Cytogenetic location: 20q13.33.
Variant type: single nucleotide variant.
Coding change: c.2107C>T on transcript NM_012469.4 (MANE Select); coding-DNA position 2107, C replaced by T.
Protein change: p.Arg703Trp; replaces arginine 703 with tryptophan.
Molecular consequence: missense variant.
Genome position (GRCh38, 1-based): chr20:64,027,060, C>T. VCF-style: chr20-64027060-C-T. GRCh37 (hg19) VCF-style: chr20-62658413-C-T.
Other names: short protein forms R703W.
Identifiers: ClinVar variation 898398 (VCV000898398.11), dbSNP rs754149863, ClinGen allele CA9972372.